The following is an entry in ClinVar:

NM_000044.6(AR):c.508A>G (p.Thr170Ala)

Gene: AR (androgen receptor; plus strand). Cytogenetic location: Xq12.
Variant type: single nucleotide variant.
Coding change: c.508A>G on transcript NM_000044.6 (MANE Select); coding-DNA position 508, A replaced by G.
Protein change: p.Thr170Ala; replaces threonine 170 with alanine.
Molecular consequence: missense variant. On other transcripts: 5 prime UTR variant (1).
Genome position (GRCh38, 1-based): chrX:67,545,654, A>G. VCF-style: chrX-67545654-A-G. GRCh37 (hg19) VCF-style: chrX-66765496-A-G.
Other names: c.-1276A>G (NM_001011645.3); c.508A>G, p.Thr170Ala (NM_001348061.1, NM_001348063.1, NM_001348064.1); short protein forms T170A.
Identifiers: ClinVar variation 4281900 (VCV004281900.1).
Genomic context (GRCh38, chrX:67,545,654, plus strand): 5'-CCAGCACCTCCGGACGAGGATGACTCAGCTGCCCCATCCACGTTGTCCCTGCTGGGCCCC[A>G]CTTTCCCCGGCTTAAGCAGCTGCTCCGCTGACCTTAAAGACATCCTGAGCGAGGCCAGCA-3'
Protein context (NP_000035.2, residues 160-180): APSTLSLLGP[Thr170Ala]FPGLSSCSAD

ClinVar aggregate classification (germline): Uncertain significance (1 of 4 stars; one submission).

Submission:

GeneDx
Classification: Uncertain significance. Last evaluated: 2025-04-08. Review status: criteria provided, single submitter. Criteria: GeneDx Variant Classification Process June 2021. Collection method: clinical testing. Allele origin: germline. Affected: yes.
Comment: Not observed at significant frequency in large population cohorts (gnomAD); Missense variants in this gene are a common cause of disease and they are underrepresented in the general population; In silico analysis indicates that this missense variant does not alter protein structure/function; Has not been previously published as pathogenic or benign to our knowledge